The following is an entry in ClinVar:

NM_033159.4(HYAL1):c.745C>T (p.Pro249Ser)

Gene: HYAL1 (hyaluronidase 1; minus strand). Cytogenetic location: 3p21.31.
Variant type: single nucleotide variant.
Coding change: c.745C>T on transcript NM_033159.4 (MANE Select); coding-DNA position 745, C replaced by T.
Protein change: p.Pro249Ser; replaces proline 249 with serine.
Molecular consequence: missense variant. On other transcripts: non-coding transcript variant (1), intron variant (1).
Genome position (GRCh38, 1-based): chr3:50,302,212, G>A on the plus strand (C>T on the coding strand, the complement: HYAL1 is on the minus strand). VCF-style: chr3-50302212-G-A. GRCh37 (hg19) VCF-style: chr3-50339643-G-A.
Other names: p.Pro249Ser; c.745C>T, p.Pro249Ser (NM_153281.2, NM_153282.3); c.199C>T, p.Pro67Ser (NM_153283.3); c.-26-7C>T (NM_153285.3); short protein forms P249S, P67S.
Identifiers: ClinVar variation 532194 (VCV000532194.18), dbSNP rs138951582, ClinGen allele CA2415878.

ClinVar aggregate classification (germline): Benign. Review status: criteria provided, multiple submitters, no conflicts (2 of 4 stars). 5 submissions from 5 submitters: Benign (4). 1 of the submissions does not count toward it. Last evaluated 2026-02-02.

Conditions:
Deficiency of hyaluronoglucosaminidase (MPS9). Also called: MPS IX; HYALURONIDASE DEFICIENCY; Mucopolysaccharidosis type 9. Identifiers: Orphanet 67041, MedGen C1291490, MONDO:0011093, OMIM 601492.
HYAL1-related disorder. Also called: HYAL1-related condition.

Allele frequency attached by ClinVar (database versions not stated): ESP Exome Variant Server 0.00015; gnomAD 0.00066 and 0.00098; gnomAD exomes 0.00077 and 0.00194; TOPMed 0.00080; ExAC 0.00194; 1000 Genomes Project 30x 0.00328; 1000 Genomes Project 0.00339.
gnomAD v4.1: 1,356 of 1,614,154 alleles (0.084%); highest among the groups gnomAD compares: East Asian, 1.5%; 16 homozygotes.

Submissions (5):

Labcorp Genetics (formerly Invitae), Labcorp
Classification: Benign for Deficiency of hyaluronoglucosaminidase. Last evaluated: 2026-02-02. Review status: criteria provided, single submitter. Criteria: Invitae Variant Classification Sherloc (09022015). Collection method: clinical testing. Allele origin: germline.

Mayo Clinic Laboratories, Mayo Clinic
Classification: Benign. Last evaluated: 2024-11-18. Review status: criteria provided, single submitter. Criteria: ACMG Guidelines, 2015. Collection method: clinical testing. Allele origin: germline. Observed: 1 variant allele.
Comment: BA1, BP4

Illumina Laboratory Services, Illumina
Classification: Benign for Deficiency of hyaluronoglucosaminidase. Last evaluated: 2018-01-13. Review status: criteria provided, single submitter. Criteria: ICSL Variant Classification Criteria 13 December 2019. Collection method: clinical testing. Allele origin: germline.
Comment: This variant was observed in the ICSL laboratory as part of a predisposition screen in an ostensibly healthy population. It had not been previously curated by ICSL or reported in the Human Gene Mutation Database (HGMD: prior to June 1st, 2018), and was therefore a candidate for classification through an automated scoring system. Utilizing variant allele frequency, disease prevalence and penetrance estimates, and inheritance mode, an automated score was calculated to assess if this variant is too frequent to cause the disease. Based on the score and internal cut-off values, a variant classified as benign is not then subjected to further curation. The score for this variant resulted in a classification of benign for this disease.

Breakthrough Genomics
Classification: Benign. Review status: criteria provided, single submitter. Criteria: ACMG Guidelines, 2015. Collection method: not provided. Allele origin: germline. Inheritance: Autosomal recessive inheritance. Affected: yes.

PreventionGenetics, part of Exact Sciences
Classification: Benign for HYAL1-related condition. Last evaluated: 2019-09-25. Review status: no assertion criteria provided. Collection method: clinical testing. Allele origin: germline. Not counted in ClinVar's aggregate classification.
Comment: This variant is classified as benign based on ACMG/AMP sequence variant interpretation guidelines (Richards et al. 2015 PMID: 25741868, with internal and published modifications).